The following is an entry in ClinVar:

NM_007194.4(CHEK2):c.1544del (p.Pro515fs)

Gene: CHEK2 (checkpoint kinase 2; minus strand). Cytogenetic location: 22q12.1.
Variant type: Deletion.
Coding change: c.1544del on transcript NM_007194.4 (MANE Select); coding-DNA position 1544, one base deleted (C; older notation c.1544delC).
Protein change: p.Pro515fs; shifts the reading frame from proline 515.
Molecular consequence: frameshift variant.
Genome position (GRCh38, 1-based): chr22:28,687,985, G deleted on the plus strand (C on the coding strand, the reverse complement: CHEK2 is on the minus strand); the first of 2 consecutive G bases (chr22:28,687,985-28,687,986); deleting either gives the same sequence. VCF-style (leftmost placement, unchanged base first): chr22-28687984-AG-A. GRCh37 (hg19) VCF-style: chr22-29083972-AG-A.
Other names: c.1672delC, p.Pro558Leufs (NM_001005735.3); c.880delC, p.Pro294Leufs (NM_001257387.3); c.1342delC, p.Pro448Leufs (NM_001349956.3); c.1456delC, p.Pro486Leufs (NM_145862.3); short protein forms P515fs, P294fs, P486fs, P448fs, P558fs.
Identifiers: ClinVar variation 530085 (VCV000530085.6), dbSNP rs1555911640, ClinGen allele CA658799501.

ClinVar aggregate classification (germline): Likely pathogenic (1 of 4 stars; one submission).

Conditions:
Familial cancer of breast. Also called: BREAST CANCER, FAMILIAL; Hereditary breast cancer; hereditary breast carcinoma. Identifiers: Orphanet 227535, MedGen C0346153, MONDO:0016419, OMIM 114480. Disease mechanism: loss of function.

Submission:

Labcorp Genetics (formerly Invitae), Labcorp
Classification: Likely pathogenic for Familial cancer of breast. Last evaluated: 2022-10-02. Review status: criteria provided, single submitter. Criteria: Invitae Variant Classification Sherloc (09022015). Collection method: clinical testing. Allele origin: germline.
Comment: In summary, the currently available evidence indicates that the variant is pathogenic, but additional data are needed to prove that conclusively. Therefore, this variant has been classified as Likely Pathogenic. This variant disrupts the nuclear localization signal (NLS) of the CHEK2 protein, which is critical for proper nuclear localization (PMID: 18004398, 12909615). While functional studies have not been performed to directly test the effect of this variant on CHEK2 protein function, this suggests that disruption of this region of the protein is causative of disease. ClinVar contains an entry for this variant (Variation ID: 530085). This variant has not been reported in the literature in individuals affected with CHEK2-related conditions. This variant is not present in population databases (gnomAD no frequency). This sequence change results in a frameshift in the CHEK2 gene (p.Pro515Leufs*51). While this is not anticipated to result in nonsense mediated decay, it is expected to disrupt the last 29 amino acid(s) of the CHEK2 protein and extend the protein by 21 additional amino acid residues.

Literature cited by the submitters: PubMed 18004398; PubMed 12909615.